The following is an entry in ClinVar:

ClinVar aggregate classification (germline): Likely benign. Review status: criteria provided, single submitter (1 of 4 stars). 2 submissions from 2 submitters: Likely benign (1). 1 of the submissions does not count toward it. Last evaluated 2018-01-22.

Conditions:
TCF4-related disorder. Also called: TCF4-related condition.
Inborn genetic diseases. Identifiers: MedGen C0950123, MeSH D030342.

Allele frequency attached by ClinVar (database versions not stated): gnomAD 0.00002; gnomAD exomes 0.00002; ExAC 0.00007; 1000 Genomes Project 30x 0.00016.
gnomAD v4.1: 29 of 1,613,288 alleles (0.0018%); highest among the groups gnomAD compares: South Asian, 0.031%; 1 homozygote.

Submissions (2):

Ambry Genetics
Classification: Likely benign for Inborn genetic diseases. Last evaluated: 2018-01-22. Review status: criteria provided, single submitter. Criteria: Ambry Variant Classification Scheme 2023. Collection method: clinical testing. Allele origin: germline.

PreventionGenetics, part of Exact Sciences
Classification: Likely benign for TCF4-related condition. Last evaluated: 2019-04-12. Review status: no assertion criteria provided. Collection method: clinical testing. Allele origin: germline. Not counted in ClinVar's aggregate classification.
Comment: This variant is classified as likely benign based on ACMG/AMP sequence variant interpretation guidelines (Richards et al. 2015 PMID: 25741868, with internal and published modifications).

NM_001083962.2(TCF4):c.387T>C (p.Gly129=)

Gene: TCF4 (transcription factor 4; minus strand). Cytogenetic location: 18q21.2.
Variant type: single nucleotide variant.
Coding change: c.387T>C on transcript NM_001083962.2 (MANE Select); coding-DNA position 387, T replaced by C.
Protein change: p.Gly129=; no amino-acid change (glycine 129 retained).
Molecular consequence: synonymous variant. On other transcripts: 5 prime UTR variant (4).
Genome position (GRCh38, 1-based): chr18:55,350,986, A>G on the plus strand (T>C on the coding strand, the complement: TCF4 is on the minus strand). VCF-style: chr18-55350986-A-G. GRCh37 (hg19) VCF-style: chr18-53018217-A-G.
Other names: c.693T>C, p.Gly231= (NM_001243226.3); c.315T>C, p.Gly105= (NM_001243227.2, NM_001306207.1, NM_001348217.1 and 9 more transcripts); c.387T>C, p.Gly129= (NM_001243228.2, NM_001330604.3, NM_001369567.1 and 5 more transcripts); c.381T>C, p.Gly127= (NM_001243230.2); c.261T>C, p.Gly87= (NM_001243231.2, NM_001348211.2); c.174T>C, p.Gly58= (NM_001243232.1, NM_001306208.1); c.-4T>C (NM_001243233.2, NM_001330605.3, NM_001348212.2 and 1 more transcripts); c.312T>C, p.Gly104= (NM_001348220.1, NM_001369576.1, NM_001369578.1 and 3 more transcripts); and 1 more.
Identifiers: ClinVar variation 1735806 (VCV001735806.4), dbSNP rs767499341, ClinGen allele CA8970515.